The following is an entry in ClinVar:

NM_000539.3(RHO):c.233A>T (p.Asn78Ile)

Gene: RHO (rhodopsin; plus strand). Cytogenetic location: 3q22.1.
Variant type: single nucleotide variant.
Coding change: c.233A>T on transcript NM_000539.3 (MANE Select); coding-DNA position 233, A replaced by T.
Protein change: p.Asn78Ile; replaces asparagine 78 with isoleucine.
Molecular consequence: missense variant.
Genome position (GRCh38, 1-based): chr3:129,528,966, A>T. VCF-style: chr3-129528966-A-T. GRCh37 (hg19) VCF-style: chr3-129247809-A-T.
Other names: short protein forms N78I.
Identifiers: ClinVar variation 2203431 (VCV002203431.5), dbSNP rs1578278300, ClinGen allele CA354496429.

ClinVar aggregate classification (germline): Conflicting classifications of pathogenicity. Review status: criteria provided, conflicting classifications (1 of 4 stars). 2 submissions from 2 submitters: Pathogenic (1); Uncertain significance (1). Last evaluated 2025-02-18.

Conditions:
Retinal dystrophy. Also called: Inherited retinal dystrophy. Identifiers: Orphanet 71862, MedGen C0854723, MeSH D058499, MONDO:0019118, HP:0000556.

Submissions (2):

Labcorp Genetics (formerly Invitae), Labcorp
Classification: Pathogenic. Last evaluated: 2025-02-18. Review status: criteria provided, single submitter. Criteria: Invitae Variant Classification Sherloc (09022015). Collection method: clinical testing. Allele origin: germline.
Comment: This sequence change replaces asparagine, which is neutral and polar, with isoleucine, which is neutral and non-polar, at codon 78 of the RHO protein (p.Asn78Ile). This variant is not present in population databases (gnomAD no frequency). This missense change has been observed in individuals with autosomal dominant retinosis pigmentaria (PMID: 19958124, 23402891; internal data). ClinVar contains an entry for this variant (Variation ID: 2203431). Invitae Evidence Modeling of protein sequence and biophysical properties (such as structural, functional, and spatial information, amino acid conservation, physicochemical variation, residue mobility, and thermodynamic stability) indicates that this missense variant is expected to disrupt RHO protein function with a positive predictive value of 95%. Experimental studies have shown that this missense change affects RHO function (PMID: 30977563). For these reasons, this variant has been classified as Pathogenic.

Dept Of Ophthalmology, Nagoya University
Classification: Uncertain significance for Retinal dystrophy. Last evaluated: 2023-10-01. Review status: criteria provided, single submitter. Criteria: Submitter's publication. Collection method: research. Allele origin: germline. Affected: yes.

Literature cited by the submitters: PubMed 19958124 (cited by Labcorp Genetics (formerly Invitae), Labcorp); PubMed 23402891 (cited by Labcorp Genetics (formerly Invitae), Labcorp); PubMed 30977563 (cited by Labcorp Genetics (formerly Invitae), Labcorp).